The following is an entry in ClinVar:

ClinVar aggregate classification (germline): Likely benign. Review status: criteria provided, multiple submitters, no conflicts (2 of 4 stars). 3 submissions from 3 submitters: Likely benign (3). Last evaluated 2026-01-01.

Conditions:
FG syndrome (FGS). Identifiers: MedGen C0220769, MONDO:0002010.
Familial thoracic aortic aneurysm and aortic dissection (TAAD). Also called: Thoracic aortic aneurysms and dissections. Identifiers: Orphanet 91387, MedGen C4707243, MONDO:0019625.

Allele frequency attached by ClinVar (database versions not stated): gnomAD 0.00001.
gnomAD v4.1: 1 of 1,164,632 alleles (0.000086%); highest among the groups gnomAD compares: African/African-American, 0.0018%; no homozygotes.

Submissions (3):

CeGaT Center for Human Genetics Tuebingen
Classification: Likely benign. Last evaluated: 2026-01-01. Review status: criteria provided, single submitter. Criteria: CeGaT Center For Human Genetics Tuebingen Variant Classification Criteria Version 2. Collection method: clinical testing. Allele origin: germline. Affected: yes. Observed: 2 variant alleles.
Comment: MED12: BP4, BP7

Labcorp Genetics (formerly Invitae), Labcorp
Classification: Likely benign for FG syndrome. Last evaluated: 2025-09-10. Review status: criteria provided, single submitter. Criteria: Invitae Variant Classification Sherloc (09022015). Collection method: clinical testing. Allele origin: germline.

Ambry Genetics
Classification: Likely benign for Familial thoracic aortic aneurysm and aortic dissection. Last evaluated: 2023-01-21. Review status: criteria provided, single submitter. Criteria: Ambry Variant Classification Scheme 2023. Collection method: clinical testing. Allele origin: germline.

NM_005120.3(MED12):c.6273G>A (p.Gln2091=)

Gene: MED12 (mediator complex subunit 12; plus strand). Cytogenetic location: Xq13.1.
Variant type: single nucleotide variant.
Coding change: c.6273G>A on transcript NM_005120.3 (MANE Select); coding-DNA position 6273, G replaced by A.
Protein change: p.Gln2091=; no amino-acid change (glutamine 2091 retained).
Molecular consequence: synonymous variant.
Genome position (GRCh38, 1-based): chrX:71,141,235, G>A. VCF-style: chrX-71141235-G-A. GRCh37 (hg19) VCF-style: chrX-70361085-G-A.
Identifiers: ClinVar variation 458823 (VCV000458823.21), dbSNP rs1556340048, ClinGen allele CA516728426.